The following is an entry in ClinVar:

ClinVar aggregate classification (germline): Uncertain significance (1 of 4 stars; one submission).

Conditions:
Focal segmental glomerulosclerosis 5 (FSGS5). Identifiers: Orphanet 656, MedGen C2750475, MONDO:0013191, OMIM 613237.
Charcot-Marie-Tooth disease dominant intermediate E. Also called: CHARCOT-MARIE-TOOTH NEUROPATHY WITH FOCAL SEGMENTAL GLOMERULONEPHRITIS. Identifiers: Orphanet 93114, MedGen C4302667, MONDO:0013758, OMIM 614455.

Allele frequency attached by ClinVar (database versions not stated): gnomAD exomes below 0.00001.

Submission:

Labcorp Genetics (formerly Invitae), Labcorp
Classification: Uncertain significance for Charcot-Marie-Tooth disease dominant intermediate E; Focal segmental glomerulosclerosis 5. Last evaluated: 2022-07-17. Review status: criteria provided, single submitter. Criteria: Invitae Variant Classification Sherloc (09022015). Collection method: clinical testing. Allele origin: germline.
Comment: This sequence change replaces serine, which is neutral and polar, with arginine, which is basic and polar, at codon 1147 of the INF2 protein (p.Ser1147Arg). This variant is not present in population databases (gnomAD no frequency). This variant has not been reported in the literature in individuals affected with INF2-related conditions. Algorithms developed to predict the effect of missense changes on protein structure and function output the following: SIFT: "Tolerated"; PolyPhen-2: "Benign"; Align-GVGD: "Class C0". The arginine amino acid residue is found in multiple mammalian species, which suggests that this missense change does not adversely affect protein function. In summary, the available evidence is currently insufficient to determine the role of this variant in disease. Therefore, it has been classified as a Variant of Uncertain Significance.

NM_022489.4(INF2):c.3439A>C (p.Ser1147Arg)

Gene: INF2 (inverted formin 2; plus strand). Cytogenetic location: 14q32.33.
Variant type: single nucleotide variant.
Coding change: c.3439A>C on transcript NM_022489.4 (MANE Select); coding-DNA position 3439, A replaced by C.
Protein change: p.Ser1147Arg; replaces serine 1147 with arginine.
Molecular consequence: missense variant.
Genome position (GRCh38, 1-based): chr14:104,714,601, A>C. VCF-style: chr14-104714601-A-C. GRCh37 (hg19) VCF-style: chr14-105180938-A-C.
Other names: c.3439A>C, p.Ser1147Arg (NM_001031714.4); short protein forms S1147R.
Identifiers: ClinVar variation 1716647 (VCV001716647.5), dbSNP rs1890205376, ClinGen allele CA391224523.